The following is an entry in ClinVar:

ClinVar aggregate classification (germline): Uncertain significance (1 of 4 stars; one submission).

Conditions:
Ataxia-telangiectasia syndrome (AT). Also called: ATAXIA-TELANGIECTASIA, COMPLEMENTATION GROUP A; ATAXIA-TELANGIECTASIA, FRESNO VARIANT; Ataxia-telangiectasia; Ataxia-telangiectasia, complementation group E; Ataxia telangiectasia (A-T); LOUIS-BAR SYNDROME. Identifiers: Orphanet 100, MedGen C0004135, MONDO:0008840, OMIM 208900.

Submission:

Labcorp Genetics (formerly Invitae), Labcorp
Classification: Uncertain significance for Ataxia-telangiectasia syndrome. Last evaluated: 2024-10-16. Review status: criteria provided, single submitter. Criteria: Invitae Variant Classification Sherloc (09022015). Collection method: clinical testing. Allele origin: germline.
Comment: This sequence change replaces asparagine, which is neutral and polar, with histidine, which is basic and polar, at codon 230 of the ATM protein (p.Asn230His). This variant is not present in population databases (gnomAD no frequency). This variant has not been reported in the literature in individuals affected with ATM-related conditions. Invitae Evidence Modeling of protein sequence and biophysical properties (such as structural, functional, and spatial information, amino acid conservation, physicochemical variation, residue mobility, and thermodynamic stability) indicates that this missense variant is not expected to disrupt ATM protein function with a negative predictive value of 95%. In summary, the available evidence is currently insufficient to determine the role of this variant in disease. Therefore, it has been classified as a Variant of Uncertain Significance.

NM_000051.4(ATM):c.688A>C (p.Asn230His)

Gene: ATM (ATM serine/threonine kinase; plus strand). Cytogenetic location: 11q22.3.
Variant type: single nucleotide variant.
Coding change: c.688A>C on transcript NM_000051.4 (MANE Select); coding-DNA position 688, A replaced by C.
Protein change: p.Asn230His; replaces asparagine 230 with histidine.
Molecular consequence: missense variant.
Genome position (GRCh38, 1-based): chr11:108,244,813, A>C. VCF-style: chr11-108244813-A-C. GRCh37 (hg19) VCF-style: chr11-108115540-A-C.
Other names: c.688A>C, p.Asn230His (NM_001351834.2); short protein forms N230H.
Identifiers: ClinVar variation 3720434 (VCV003720434.2).